The following is an entry in ClinVar:

ClinVar aggregate classification (germline): Likely benign (0 of 4 stars; one submission).

Conditions:
PTS-related disorder. Also called: PTS-related condition.

Submission:

PreventionGenetics, part of Exact Sciences
Classification: Likely benign for PTS-related condition. Last evaluated: 2019-08-10. Review status: no assertion criteria provided. Collection method: clinical testing. Allele origin: germline.
Comment: This variant is classified as likely benign based on ACMG/AMP sequence variant interpretation guidelines (Richards et al. 2015 PMID: 25741868, with internal and published modifications).

NM_000317.3(PTS):c.164-718C>T

Gene: PTS (6-pyruvoyltetrahydropterin synthase; plus strand). Cytogenetic location: 11q23.1.
Variant type: single nucleotide variant.
Coding change: c.164-718C>T on transcript NM_000317.3 (MANE Select); 718 bases into the intron before coding-DNA position 164, C replaced by T.
Molecular consequence: intron variant.
Genome position (GRCh38, 1-based): chr11:112,229,490, C>T. VCF-style: chr11-112229490-C-T. GRCh37 (hg19) VCF-style: chr11-112100213-C-T.
Identifiers: ClinVar variation 3034658 (VCV003034658.2), dbSNP rs898854702, ClinGen allele CA228598165.
Genomic context (GRCh38, chr11:112,229,490, plus strand): 5'-CTTTTTGCCCAGGCTGGAATGGTGTGATCTCCCGTCACTACAACCTCCACCTCCCAGGTT[C>T]GAGCGATTCTCCAGCCTCAGCCTCCCGAGTAGCTGAGATTACAGGCGCCCGCCACTATGC-3'